The following is an entry in ClinVar:

ClinVar aggregate classification (germline): Uncertain significance (1 of 4 stars; one submission).

Conditions:
Amyotrophic lateral sclerosis type 6. Also called: FUS-Related Amyotrophic Laterial Sclerosis; AMYOTROPHIC LATERAL SCLEROSIS 6 WITHOUT FRONTOTEMPORAL DEMENTIA; Amyotrophic lateral sclerosis 6, with or without frontotemporal dementia. Identifiers: Orphanet 275872, Orphanet 803, MedGen C2931786, MONDO:0011951, OMIM 608030.
Tremor, hereditary essential, 4 (ETM4). Identifiers: MedGen C3539195, MONDO:0013888, OMIM 614782.

Allele frequency attached by ClinVar (database versions not stated): gnomAD 0.00001; TOPMed 0.00001.

Submission:

Labcorp Genetics (formerly Invitae), Labcorp
Classification: Uncertain significance for Tremor, hereditary essential, 4; Amyotrophic lateral sclerosis type 6. Last evaluated: 2023-08-17. Review status: criteria provided, single submitter. Criteria: Invitae Variant Classification Sherloc (09022015). Collection method: clinical testing. Allele origin: germline.
Comment: This sequence change replaces tyrosine, which is neutral and polar, with cysteine, which is neutral and slightly polar, at codon 479 of the FUS protein (p.Tyr479Cys). This variant is not present in population databases (gnomAD no frequency). This variant has not been reported in the literature in individuals affected with FUS-related conditions. An algorithm developed to predict the effect of missense changes on protein structure and function (PolyPhen-2) suggests that this variant is likely to be disruptive. In summary, the available evidence is currently insufficient to determine the role of this variant in disease. Therefore, it has been classified as a Variant of Uncertain Significance.

NM_004960.4(FUS):c.1436A>G (p.Tyr479Cys)

Gene: FUS (FUS RNA binding protein; plus strand). Cytogenetic location: 16p11.2.
Variant type: single nucleotide variant.
Coding change: c.1436A>G on transcript NM_004960.4 (MANE Select); coding-DNA position 1436, A replaced by G.
Protein change: p.Tyr479Cys; replaces tyrosine 479 with cysteine.
Molecular consequence: missense variant. On other transcripts: non-coding transcript variant (1).
Genome position (GRCh38, 1-based): chr16:31,191,005, A>G. VCF-style: chr16-31191005-A-G. GRCh37 (hg19) VCF-style: chr16-31202326-A-G.
Other names: c.1433A>G, p.Tyr478Cys (NM_001170634.1); c.1424A>G, p.Tyr475Cys (NM_001170937.1); short protein forms Y475C, Y478C, Y479C.
Identifiers: ClinVar variation 2926264 (VCV002926264.3), dbSNP rs1378923247, ClinGen allele CA395675783.